The following is an entry in ClinVar:

NM_198904.4(GABRG2):c.48_49inv (p.Pro17Thr)

Gene: GABRG2 (gamma-aminobutyric acid type A receptor subunit gamma2; plus strand). Cytogenetic location: 5q34.
Variant type: Inversion.
Coding change: c.48_49inv on transcript NM_198904.4 (MANE Select).
Protein change: p.Pro17Thr; replaces proline 17 with threonine.
Molecular consequence: missense variant. On other transcripts: 5 prime UTR variant (3), intron variant (3).
Genome position: GRCh38 VCF-style: chr5-162068047-TC-GA. GRCh37 (hg19) VCF-style: chr5-161495053-TC-GA.
Other names: c.48_49inv, p.Pro17Thr (NM_000816.3, NM_001375339.1, NM_001375340.1 and 5 more transcripts); c.-311_-310inv (NM_001375348.1, NM_001375350.1); c.-359_-358inv (NM_001375349.1); c.-3-16_-3-15inv (NM_001375346.1, NM_001375345.1); c.20+406_20+407inv (NM_001375347.1); short protein forms P17T.
Identifiers: ClinVar variation 2943852 (VCV002943852.3), ClinGen allele CA2740094164.

ClinVar aggregate classification (germline): Uncertain significance (1 of 4 stars; one submission).

Conditions:
EPILEPSY, CHILDHOOD ABSENCE, SUSCEPTIBILITY TO, 2 (ECA2). Identifiers: Orphanet 64280, MedGen C1843244, OMIM 607681.
Febrile seizures, familial, 8 (FEB8). Also called: CONVULSIONS, FAMILIAL FEBRILE, 8. Identifiers: Orphanet 36387, MedGen C1969810, MONDO:0011891, OMIM 607681.

Submission:

Labcorp Genetics (formerly Invitae), Labcorp
Classification: Uncertain significance for Febrile seizures, familial, 8; EPILEPSY, CHILDHOOD ABSENCE, SUSCEPTIBILITY TO, 2. Last evaluated: 2024-06-30. Review status: criteria provided, single submitter. Criteria: Invitae Variant Classification Sherloc (09022015). Collection method: clinical testing. Allele origin: germline.
Comment: This sequence change replaces proline, which is neutral and non-polar, with threonine, which is neutral and polar, at codon 17 of the GABRG2 protein (p.Pro17Thr). Information on the frequency of this variant in the gnomAD database is not available, as this variant may be reported differently in the database. This variant has not been reported in the literature in individuals affected with GABRG2-related conditions. Experimental studies and prediction algorithms are not available or were not evaluated, and the functional significance of this variant is currently unknown. In summary, the available evidence is currently insufficient to determine the role of this variant in disease. Therefore, it has been classified as a Variant of Uncertain Significance.